The following is an entry in ClinVar:

NM_015330.6(SPECC1L):c.310A>G (p.Thr104Ala)

Genes: SPECC1L (sperm antigen with calponin homology and coiled-coil domains 1 like; plus strand), SPECC1L-ADORA2A (SPECC1L-ADORA2A readthrough (NMD candidate); plus strand). Cytogenetic location: 22q11.23.
Variant type: single nucleotide variant.
Coding change: c.310A>G on transcript NM_015330.6 (MANE Select); coding-DNA position 310, A replaced by G.
Protein change: p.Thr104Ala; replaces threonine 104 with alanine.
Molecular consequence: missense variant. On other transcripts: non-coding transcript variant (1).
Genome position (GRCh38, 1-based): chr22:24,321,290, A>G. VCF-style: chr22-24321290-A-G. GRCh37 (hg19) VCF-style: chr22-24717258-A-G.
Other names: c.310A>G, p.Thr104Ala (NM_001145468.4, NM_001254732.3); short protein forms T104A.
Identifiers: ClinVar variation 788044 (VCV000788044.34), dbSNP rs140178777, ClinGen allele CA10151936.

ClinVar aggregate classification (germline): Benign/Likely benign. Review status: criteria provided, multiple submitters, no conflicts (2 of 4 stars). 4 submissions from 4 submitters: Benign (2); Likely benign (1). 1 of the submissions does not count toward it. Last evaluated 2025-10-08.

Conditions:
SPECC1L-related disorder. Also called: SPECC1L-related condition.

Allele frequency attached by ClinVar (database versions not stated): gnomAD exomes 0.00020 and 0.00051; ExAC 0.00057; gnomAD 0.00197 and 0.00211; ESP Exome Variant Server 0.00223; TOPMed 0.00230; 1000 Genomes Project 30x 0.00234; 1000 Genomes Project 0.00240.
gnomAD v4.1: 618 of 1,613,818 alleles (0.038%); highest among the groups gnomAD compares: African/African-American, 0.71%; 5 homozygotes.

Submissions (4):

Labcorp Genetics (formerly Invitae), Labcorp
Classification: Benign. Last evaluated: 2025-10-08. Review status: criteria provided, single submitter. Criteria: Invitae Variant Classification Sherloc (09022015). Collection method: clinical testing. Allele origin: germline.

CeGaT Center for Human Genetics Tuebingen
Classification: Likely benign. Last evaluated: 2023-05-01. Review status: criteria provided, single submitter. Criteria: CeGaT Center For Human Genetics Tuebingen Variant Classification Criteria Version 2. Collection method: clinical testing. Allele origin: germline. Affected: yes. Observed: 1 variant allele.
Comment: SPECC1L: BS2

Breakthrough Genomics
Classification: Benign. Review status: criteria provided, single submitter. Criteria: ACMG Guidelines, 2015. Collection method: not provided. Allele origin: germline. Inheritance: Autosomal dominant inheritance. Affected: yes.

PreventionGenetics, part of Exact Sciences
Classification: Likely benign for SPECC1L-related condition. Last evaluated: 2019-12-05. Review status: no assertion criteria provided. Collection method: clinical testing. Allele origin: germline. Not counted in ClinVar's aggregate classification.
Comment: This variant is classified as likely benign based on ACMG/AMP sequence variant interpretation guidelines (Richards et al. 2015 PMID: 25741868, with internal and published modifications).